The following is an entry in ClinVar:

NM_001012614.2(CTBP1):c.-196G>A

Genes: CTBP1 (C-terminal binding protein 1; minus strand), LOC129991984 (ATAC-STARR-seq lymphoblastoid silent region 15125; plus strand). Cytogenetic location: 4p16.3.
Variant type: single nucleotide variant.
Coding change: c.-196G>A on transcript NM_001012614.2 (MANE Select); 196 bases upstream of the start codon, G replaced by A.
Molecular consequence: 5 prime UTR variant. On other transcripts: synonymous variant (2), intron variant (4).
Genome position (GRCh38, 1-based): chr4:1,248,923, C>T on the plus strand (G>A on the coding strand, the complement: CTBP1 is on the minus strand). VCF-style: chr4-1248923-C-T. GRCh37 (hg19) VCF-style: chr4-1242711-C-T.
Other names: c.33G>A, p.Leu11= (NM_001328.3, NM_001377186.1); c.-196G>A (NM_001377187.1); c.-189+1237G>A (NM_001377192.1, NM_001377189.1); c.-189+726G>A (NM_001377193.1, NM_001377190.1).
Identifiers: ClinVar variation 4535163 (VCV004535163.6).

ClinVar aggregate classification (germline): Likely benign (1 of 4 stars; one submission).

Submission:

CeGaT Center for Human Genetics Tuebingen
Classification: Likely benign. Last evaluated: 2025-11-01. Review status: criteria provided, single submitter. Criteria: CeGaT Center For Human Genetics Tuebingen Variant Classification Criteria Version 2. Collection method: clinical testing. Allele origin: germline. Affected: yes. Observed: 1 variant allele.
Comment: CTBP1: PM2:Supporting, BP4, BP7